The following is an entry in ClinVar:

ClinVar aggregate classification (germline): Uncertain significance (1 of 4 stars; one submission).

Conditions:
Long QT syndrome (LQTS). Identifiers: MedGen C0023976, MeSH D008133, MONDO:0002442. Disease mechanism: loss of function. Inheritance: Various modes of inheritance.

gnomAD v4.1: 3 of 1,614,078 alleles (0.00019%); highest among the groups gnomAD compares: Non-Finnish European, 0.00025%; no homozygotes.

Submission:

All of Us Research Program, National Institutes of Health
Classification: Uncertain significance for Long QT syndrome. Last evaluated: 2024-03-24. Review status: criteria provided, single submitter. Criteria: ACMG Guidelines, 2015. Collection method: clinical testing. Allele origin: germline. Inheritance: Autosomal dominant inheritance. Observed: 1 variant allele, 1 heterozygote.
Comment: This missense variant replaces leucine with proline at codon 107 of the KCNH2 protein. Computational prediction is inconclusive regarding the impact of this variant on protein structure and function (internally defined REVEL score threshold 0.5 < inconclusive < 0.7, PMID: 27666373). To our knowledge, functional studies have not been reported for this variant. This variant has not been reported in individuals affected with KCNH2-related disorders in the literature. This variant has been identified in 1/251396 chromosomes in the general population by the Genome Aggregation Database (gnomAD). The available evidence is insufficient to determine the role of this variant in disease conclusively. Therefore, this variant is classified as a Variant of Uncertain Significance.

This study involves interpretation of variants in research participants for the purpose of population health screening. Participant phenotype was not available at the time of variant classification. Additional details can be found in publication PMID: 35346344, PMCID: PMC8962531

NM_000238.4(KCNH2):c.320T>C (p.Leu107Pro)

Gene: KCNH2 (potassium voltage-gated channel subfamily H member 2; minus strand). Cytogenetic location: 7q36.1.
Variant type: single nucleotide variant.
Coding change: c.320T>C on transcript NM_000238.4 (MANE Select); coding-DNA position 320, T replaced by C.
Protein change: p.Leu107Pro; replaces leucine 107 with proline.
Molecular consequence: missense variant. On other transcripts: non-coding transcript variant (1).
Genome position (GRCh38, 1-based): chr7:150,959,724, A>G on the plus strand (T>C on the coding strand, the complement: KCNH2 is on the minus strand). VCF-style: chr7-150959724-A-G. GRCh37 (hg19) VCF-style: chr7-150656812-A-G.
Other names: c.32T>C, p.Leu11Pro (NM_001406753.1, NM_001406756.1); c.143T>C, p.Leu48Pro (NM_001406755.1); c.20T>C, p.Leu7Pro (NM_001406757.1); c.320T>C, p.Leu107Pro (NM_172056.3); short protein forms L107P, L11P, L48P, L7P.
Identifiers: ClinVar variation 3386914 (VCV003386914.1).